The following is an entry in ClinVar:

NM_005918.4(MDH2):c.262G>A (p.Asp88Asn)

Gene: MDH2 (malate dehydrogenase 2; plus strand). Cytogenetic location: 7q11.23.
Variant type: single nucleotide variant.
Coding change: c.262G>A on transcript NM_005918.4 (MANE Select); coding-DNA position 262, G replaced by A.
Protein change: p.Asp88Asn; replaces aspartic acid 88 with asparagine.
Molecular consequence: missense variant. On other transcripts: 5 prime UTR variant (1).
Genome position (GRCh38, 1-based): chr7:76,057,436, G>A. VCF-style: chr7-76057436-G-A. GRCh37 (hg19) VCF-style: chr7-75686754-G-A.
Other names: c.262G>A, p.Asp88Asn (NM_001282403.2); c.-60G>A (NM_001282404.2); short protein forms D88N.
Identifiers: ClinVar variation 1907024 (VCV001907024.4), dbSNP rs782765868, ClinGen allele CA4305475.

ClinVar aggregate classification (germline): Uncertain significance (1 of 4 stars; one submission).

Allele frequency attached by ClinVar (database versions not stated): gnomAD 0.00001; gnomAD exomes 0.00003.
gnomAD v4.1: 47 of 1,614,070 alleles (0.0029%); highest among the groups gnomAD compares: South Asian, 0.049%; 1 homozygote.

Submission:

Labcorp Genetics (formerly Invitae), Labcorp
Classification: Uncertain significance. Last evaluated: 2024-02-17. Review status: criteria provided, single submitter. Criteria: Invitae Variant Classification Sherloc (09022015). Collection method: clinical testing. Allele origin: germline.
Comment: This sequence change replaces aspartic acid, which is acidic and polar, with asparagine, which is neutral and polar, at codon 88 of the MDH2 protein (p.Asp88Asn). This variant is present in population databases (rs782765868, gnomAD 0.04%). This variant has not been reported in the literature in individuals affected with MDH2-related conditions. ClinVar contains an entry for this variant (Variation ID: 1907024). An algorithm developed to predict the effect of missense changes on protein structure and function (PolyPhen-2) suggests that this variant is likely to be tolerated. In summary, the available evidence is currently insufficient to determine the role of this variant in disease. Therefore, it has been classified as a Variant of Uncertain Significance.